The following is an entry in ClinVar:

NM_000292.3(PHKA2):c.391G>A (p.Gly131Ser)

Gene: PHKA2 (phosphorylase kinase regulatory subunit alpha 2; minus strand). Cytogenetic location: Xp22.13.
Variant type: single nucleotide variant.
Coding change: c.391G>A on transcript NM_000292.3 (MANE Select); coding-DNA position 391, G replaced by A.
Protein change: p.Gly131Ser; replaces glycine 131 with serine.
Molecular consequence: missense variant.
Genome position (GRCh38, 1-based): chrX:18,951,167, C>T on the plus strand (G>A on the coding strand, the complement: PHKA2 is on the minus strand). VCF-style: chrX-18951167-C-T. GRCh37 (hg19) VCF-style: chrX-18969285-C-T.
Other names: short protein forms G131S.
Identifiers: ClinVar variation 3659010 (VCV003659010.2).

ClinVar aggregate classification (germline): Uncertain significance (1 of 4 stars; one submission).

Conditions:
Glycogen storage disease IXa1. Also called: LIVER GLYCOGENOSIS, X-LINKED, TYPE I; GLYCOGEN STORAGE DISEASE VIII; GSD VIII; Glycogen storage disease 8. Identifiers: Orphanet 264580, MedGen C3694531, MONDO:0010598, OMIM 306000.

Submission:

Labcorp Genetics (formerly Invitae), Labcorp
Classification: Uncertain significance for Glycogen storage disease IXa1. Last evaluated: 2025-09-02. Review status: criteria provided, single submitter. Criteria: Invitae Variant Classification Sherloc (09022015). Collection method: clinical testing. Allele origin: germline.
Comment: This sequence change replaces glycine, which is neutral and non-polar, with serine, which is neutral and polar, at codon 131 of the PHKA2 protein (p.Gly131Ser). This variant is not present in population databases (gnomAD no frequency). This variant has not been reported in the literature in individuals affected with PHKA2-related conditions. ClinVar contains an entry for this variant (Variation ID: 3659010). Invitae Evidence Modeling of protein sequence and biophysical properties (such as structural, functional, and spatial information, amino acid conservation, physicochemical variation, residue mobility, and thermodynamic stability) indicates that this missense variant is expected to disrupt PHKA2 protein function with a positive predictive value of 80%. This variant disrupts the p.Gly131 amino acid residue in PHKA2. Other variant(s) that disrupt this residue have been observed in individuals with PHKA2-related conditions (PMID: 28627441, 33014498), which suggests that this may be a clinically significant amino acid residue. In summary, the available evidence is currently insufficient to determine the role of this variant in disease. Therefore, it has been classified as a Variant of Uncertain Significance.

Literature cited by the submitters: PubMed 28627441; PubMed 33014498.